The following is an entry in ClinVar:

NM_006017.3(PROM1):c.869del (p.Ser290fs)

Gene: PROM1 (prominin 1; minus strand). Cytogenetic location: 4p15.32.
Variant type: Deletion.
Coding change: c.869del on transcript NM_006017.3 (MANE Select); coding-DNA position 869, one base deleted (G; older notation c.869delG).
Protein change: p.Ser290fs; shifts the reading frame from serine 290.
Molecular consequence: frameshift variant.
Genome position (GRCh38, 1-based): chr4:16,018,456, C deleted on the plus strand (G on the coding strand, the reverse complement: PROM1 is on the minus strand). VCF-style (leftmost placement, unchanged base first): chr4-16018455-AC-A. GRCh37 (hg19) VCF-style: chr4-16020078-AC-A.
Other names: NP_006008.1:p.(Ser290IlefsTer2); c.842del, p.Ser281fs (NM_001145847.2, NM_001145848.2, NM_001145851.2 and 4 more transcripts); c.869del, p.Ser290fs (NM_001145849.2, NM_001145850.2); short protein forms S281fs, S290fs.
Identifiers: ClinVar variation 802055 (VCV000802055.9), dbSNP rs1355802816, ClinGen allele CA550187766.

ClinVar aggregate classification (germline): Pathogenic. Review status: criteria provided, multiple submitters, no conflicts (2 of 4 stars). 4 submissions from 4 submitters: Pathogenic (4). Last evaluated 2025-10-15.

Conditions:
Cone-rod dystrophy. Also called: Cone-rod degeneration; Cone/cone-rod dystrophy. Identifiers: Orphanet 1872, MedGen C4085590, MONDO:0015993, HP:0000548.
Retinitis pigmentosa 41 (RP41). Also called: RETINAL DEGENERATION, AUTOSOMAL RECESSIVE, PROMININ-RELATED. Identifiers: Orphanet 791, MedGen C2677516, MONDO:0012796, OMIM 612095.

Allele frequency attached by ClinVar (database versions not stated): gnomAD exomes below 0.00001; TOPMed below 0.00001.

Submissions (4):

Dasa
Classification: Pathogenic. Last evaluated: 2025-10-15. Review status: criteria provided, single submitter. Criteria: DASA Assertion Criteria. Collection method: clinical testing. Allele origin: germline.
Comment: NM_006017.3(PROM1):c.869del (p.Ser290IlefsTer2) introduces a premature termination codon predicted to result in loss of normal protein function. Loss-of-function is an established mechanism of disease for this gene. This variant has been recurrently observed in individuals with related phenotype (PMID: 20042663; PMID: 31129250). The variant is present at low frequency in population datasets. Based on the available data, this variant is classified as pathogenic.

Labcorp Genetics (formerly Invitae), Labcorp
Classification: Pathogenic. Last evaluated: 2025-09-22. Review status: criteria provided, single submitter. Criteria: Invitae Variant Classification Sherloc (09022015). Collection method: clinical testing. Allele origin: germline.
Comment: This sequence change creates a premature translational stop signal (p.Ser290Ilefs*2) in the PROM1 gene. It is expected to result in an absent or disrupted protein product. Loss-of-function variants in PROM1 are known to be pathogenic (PMID: 17605048, 19718270, 24154662, 25474345). This variant is present in population databases (no rsID available, gnomAD 0.003%). This premature translational stop signal has been observed in individuals with clinical features of autosomal recessive retinitis pigmentosa and/or cone rod dystrophy (PMID: 20042663, 31129250). It has also been observed to segregate with disease in related individuals. ClinVar contains an entry for this variant (Variation ID: 802055). For these reasons, this variant has been classified as Pathogenic.

Ophthalmic Genetics Group, Institute of Molecular and Clinical Ophthalmology Basel
Classification: Pathogenic for Cone-rod dystrophy. Last evaluated: 2023-07-24. Review status: criteria provided, single submitter. Criteria: ACMG Guidelines, 2015. Collection method: research. Allele origin: germline. Affected: yes. Observed: 2 variant alleles.
Comment: Clinical significance based on ACMG v2.0

This variant was classified as Pathogenic based on ACMG criteria: PVS1, PM2, PP5.

Mendelics
Classification: Pathogenic for Retinitis pigmentosa 41. Last evaluated: 2019-05-28. Review status: criteria provided, single submitter. Criteria: Mendelics Assertion Criteria 2017. Collection method: clinical testing. Allele origin: unknown.

Literature cited by the submitters: PubMed 20042663 (cited by Dasa and Labcorp Genetics (formerly Invitae), Labcorp); PubMed 31129250 (cited by Dasa and Labcorp Genetics (formerly Invitae), Labcorp); PubMed 17605048 (cited by Labcorp Genetics (formerly Invitae), Labcorp); PubMed 19718270 (cited by Labcorp Genetics (formerly Invitae), Labcorp); PubMed 24154662 (cited by Labcorp Genetics (formerly Invitae), Labcorp); PubMed 25474345 (cited by Labcorp Genetics (formerly Invitae), Labcorp); PubMed 36909829 (cited by Ophthalmic Genetics Group, Institute of Molecular and Clinical Ophthalmology Basel).